The following is an entry in ClinVar:

NM_001034853.2(RPGR):c.2992G>T (p.Glu998Ter)

Gene: RPGR (retinitis pigmentosa GTPase regulator; minus strand). Cytogenetic location: Xp11.4.
Variant type: single nucleotide variant.
Coding change: c.2992G>T on transcript NM_001034853.2 (MANE Select); coding-DNA position 2992, G replaced by T.
Protein change: p.Glu998Ter; replaces glutamic acid 998 with a stop codon.
Molecular consequence: nonsense. On other transcripts: intron variant (8).
Genome position (GRCh38, 1-based): chrX:38,286,007, C>A on the plus strand (G>T on the coding strand, the complement: RPGR is on the minus strand). VCF-style: chrX-38286007-C-A. GRCh37 (hg19) VCF-style: chrX-38145260-C-A.
Other names: c.1569+4952G>T (NM_001367249.1, NM_001367250.1); c.1902+1087G>T (NM_001367245.1); c.1386+4952G>T (NM_001367251.1); c.1719+1087G>T (NM_001367246.1); c.1572+4952G>T (NM_001367247.1); c.1905+1087G>T (NM_000328.3); c.1602+4952G>T (NM_001367248.1); short protein forms E998*.
Identifiers: ClinVar variation 2032679 (VCV002032679.4), dbSNP rs2067131596, ClinGen allele CA412729267.

ClinVar aggregate classification (germline): Pathogenic (1 of 4 stars; one submission).

Conditions:
Primary ciliary dyskinesia. Also called: Ciliary dyskinesia. Identifiers: Orphanet 244, MedGen C0008780, MONDO:0016575, HP:0012265.

Submission:

Labcorp Genetics (formerly Invitae), Labcorp
Classification: Pathogenic for Primary ciliary dyskinesia. Last evaluated: 2022-09-26. Review status: criteria provided, single submitter. Criteria: Invitae Variant Classification Sherloc (09022015). Collection method: clinical testing. Allele origin: germline.
Comment: This variant has not been reported in the literature in individuals affected with RPGR (ORF15)-related conditions. This sequence change creates a premature translational stop signal (p.Glu998*) in the RPGR (ORF15) gene. While this is not anticipated to result in nonsense mediated decay, it is expected to disrupt the last 155 amino acid(s) of the RPGR (ORF15) protein. This variant is not present in population databases (gnomAD no frequency). This variant disrupts a region of the RPGR (ORF15) protein in which other variant(s) (p.Leu1130Lysfs*13) have been determined to be pathogenic (PMID: 22264887; Invitae). This suggests that this is a clinically significant region of the protein, and that variants that disrupt it are likely to be disease-causing. For these reasons, this variant has been classified as Pathogenic.

Literature cited by the submitters: PubMed 22264887.